The following is an entry in ClinVar:

NM_004523.4(KIF11):c.2770+5T>C

Gene: KIF11 (kinesin family member 11; plus strand). Cytogenetic location: 10q23.33.
Variant type: single nucleotide variant.
Coding change: c.2770+5T>C on transcript NM_004523.4 (MANE Select); 5 bases into the intron after coding-DNA position 2770, T replaced by C.
Molecular consequence: intron variant.
Genome position (GRCh38, 1-based): chr10:92,648,439, T>C. VCF-style: chr10-92648439-T-C. GRCh37 (hg19) VCF-style: chr10-94408196-T-C.
Identifiers: ClinVar variation 1978544 (VCV001978544.4), dbSNP rs759183449, ClinGen allele CA5604448.

ClinVar aggregate classification (germline): Uncertain significance (1 of 4 stars; one submission).

Allele frequency attached by ClinVar (database versions not stated): gnomAD exomes below 0.00001; TOPMed 0.00001; ExAC 0.00002.
gnomAD v4.1: 2 of 1,541,166 alleles (0.00013%); highest among the groups gnomAD compares: Non-Finnish European, 0.00018%; no homozygotes.

Submission:

Labcorp Genetics (formerly Invitae), Labcorp
Classification: Uncertain significance. Last evaluated: 2025-03-17. Review status: criteria provided, single submitter. Criteria: Invitae Variant Classification Sherloc (09022015). Collection method: clinical testing. Allele origin: germline.
Comment: This sequence change falls in intron 19 of the KIF11 gene. It does not directly change the encoded amino acid sequence of the KIF11 protein. It affects a nucleotide within the consensus splice site. This variant is present in population databases (rs759183449, gnomAD 0.002%). This variant has not been reported in the literature in individuals affected with KIF11-related conditions. ClinVar contains an entry for this variant (Variation ID: 1978544). Variants that disrupt the consensus splice site are a relatively common cause of aberrant splicing (PMID: 17576681, 9536098). Algorithms developed to predict the effect of sequence changes on RNA splicing suggest that this variant is not likely to affect RNA splicing. In summary, the available evidence is currently insufficient to determine the role of this variant in disease. Therefore, it has been classified as a Variant of Uncertain Significance.

Literature cited by the submitters: PubMed 17576681; PubMed 9536098.